The following is an entry in ClinVar:

ClinVar aggregate classification (germline): Conflicting classifications of pathogenicity. Review status: criteria provided, conflicting classifications (1 of 4 stars). 2 submissions from 2 submitters: Uncertain significance (1); Likely benign (1). Last evaluated 2024-04-02.

Conditions:
Congenital muscular dystrophy due to integrin alpha-7 deficiency. Also called: Congenital muscular dystrophy with integrin alpha-7 deficiency; Muscular dystrophy, congenital, due to ITGA7 deficiency; MYOPATHY, CONGENITAL, DUE TO INTEGRIN ALPHA-7 DEFICIENCY. Identifiers: Orphanet 34520, MedGen C2750786, MONDO:0013177, OMIM 613204.

Allele frequency attached by ClinVar (database versions not stated): gnomAD exomes below 0.00001.
gnomAD v4.1: 7 of 1,614,044 alleles (0.00043%); highest among the groups gnomAD compares: Non-Finnish European, 0.00059%; no homozygotes.

Submissions (2):

Blueprint Genetics
Classification: Likely benign. Last evaluated: 2024-04-02. Review status: criteria provided, single submitter. Criteria: ACMG Guidelines, 2015. Collection method: clinical testing. Allele origin: germline.

Labcorp Genetics (formerly Invitae), Labcorp
Classification: Uncertain significance for Congenital muscular dystrophy due to integrin alpha-7 deficiency. Last evaluated: 2022-06-27. Review status: criteria provided, single submitter. Criteria: Invitae Variant Classification Sherloc (09022015). Collection method: clinical testing. Allele origin: germline.
Comment: This variant is present in population databases (no rsID available, gnomAD 0.0009%). In summary, the available evidence is currently insufficient to determine the role of this variant in disease. Therefore, it has been classified as a Variant of Uncertain Significance. Algorithms developed to predict the effect of sequence changes on RNA splicing suggest that this variant may create or strengthen a splice site. ClinVar contains an entry for this variant (Variation ID: 577428). This variant has not been reported in the literature in individuals affected with ITGA7-related conditions. This sequence change affects codon 696 of the ITGA7 mRNA. It is a 'silent' change, meaning that it does not change the encoded amino acid sequence of the ITGA7 protein.

NM_002206.3(ITGA7):c.2088G>A (p.Ser696=)

Genes: ITGA7 (integrin subunit alpha 7; minus strand), LOC126861535 (CDK7 strongly-dependent group 2 enhancer GRCh37_chr12:56087579-56088778; plus strand). Cytogenetic location: 12q13.2.
Variant type: single nucleotide variant.
Coding change: c.2088G>A on transcript NM_002206.3 (MANE Select); coding-DNA position 2088, G replaced by A.
Protein change: p.Ser696=; no amino-acid change (serine 696 retained).
Molecular consequence: synonymous variant. On other transcripts: intron variant (1).
Genome position (GRCh38, 1-based): chr12:55,694,886, C>T on the plus strand (G>A on the coding strand, the complement: ITGA7 is on the minus strand). VCF-style: chr12-55694886-C-T. GRCh37 (hg19) VCF-style: chr12-56088670-C-T.
Other names: c.2100G>A, p.Ser700= (NM_001144996.2); c.1809G>A, p.Ser603= (NM_001144997.2); c.1761G>A, p.Ser587= (NM_001367993.1); c.744G>A, p.Ser248= (NM_001367994.1); c.2070G>A, p.Ser690= (NM_001374465.1); c.2220G>A, p.Ser740= (NM_001410977.1); c.2082G>A, p.Ser694= (NM_001414029.1); c.2013G>A, p.Ser671= (NM_001414030.1); and 5 more.
Identifiers: ClinVar variation 577428 (VCV000577428.13), dbSNP rs1342614050, ClinGen allele CA480360321.